The following is an entry in ClinVar:

NM_004006.3(DMD):c.3361C>T (p.Pro1121Ser)

Gene: DMD (dystrophin; minus strand). Cytogenetic location: Xp21.1.
Variant type: single nucleotide variant.
Coding change: c.3361C>T on transcript NM_004006.3 (MANE Select); coding-DNA position 3361, C replaced by T.
Protein change: p.Pro1121Ser; replaces proline 1121 with serine.
Molecular consequence: missense variant.
Genome position (GRCh38, 1-based): chrX:32,463,510, G>A on the plus strand (C>T on the coding strand, the complement: DMD is on the minus strand). VCF-style: chrX-32463510-G-A. GRCh37 (hg19) VCF-style: chrX-32481627-G-A.
Other names: p.Pro1121Ser; c.3337C>T, p.Pro1113Ser (NM_000109.4); c.3349C>T, p.Pro1117Ser (NM_004009.3); c.2992C>T, p.Pro998Ser (NM_004010.3); short protein forms P1113S, P1117S, P1121S, P998S.
Identifiers: ClinVar variation 1693786 (VCV001693786.8), dbSNP rs150653420, ClinGen allele CA10379298.

ClinVar aggregate classification (germline): Uncertain significance. Review status: criteria provided, multiple submitters, no conflicts (2 of 4 stars). 3 submissions from 3 submitters: Uncertain significance (3). Last evaluated 2025-09-11.

Conditions:
Duchenne muscular dystrophy (DMD). Also called: MUSCULAR DYSTROPHY, PSEUDOHYPERTROPHIC PROGRESSIVE, DUCHENNE TYPE; Duchenne Muscular Dystrophy (DMD). Identifiers: Orphanet 98896, MedGen C0013264, MONDO:0010679, OMIM 310200.

Allele frequency attached by ClinVar (database versions not stated): gnomAD 0.00001; gnomAD exomes 0.00001; ExAC 0.00002; ESP Exome Variant Server 0.00019.
gnomAD v4.1: 5 of 1,202,230 alleles (0.00042%); highest among the groups gnomAD compares: Non-Finnish European, 0.00045%; no homozygotes.

Submissions (3):

Labcorp Genetics (formerly Invitae), Labcorp
Classification: Uncertain significance for Duchenne muscular dystrophy. Last evaluated: 2025-09-11. Review status: criteria provided, single submitter. Criteria: Invitae Variant Classification Sherloc (09022015). Collection method: clinical testing. Allele origin: germline.
Comment: This sequence change replaces proline, which is neutral and non-polar, with serine, which is neutral and polar, at codon 1121 of the DMD protein (p.Pro1121Ser). The frequency data for this variant in the population databases is considered unreliable, as metrics indicate poor data quality at this position in the gnomAD database. This variant has not been reported in the literature in individuals affected with DMD-related conditions. ClinVar contains an entry for this variant (Variation ID: 1693786). Invitae Evidence Modeling of protein sequence and biophysical properties (such as structural, functional, and spatial information, amino acid conservation, physicochemical variation, residue mobility, and thermodynamic stability) indicates that this missense variant is not expected to disrupt DMD protein function with a negative predictive value of 95%. In summary, the available evidence is currently insufficient to determine the role of this variant in disease. Therefore, it has been classified as a Variant of Uncertain Significance.

GeneDx
Classification: Uncertain significance. Last evaluated: 2024-03-20. Review status: criteria provided, single submitter. Criteria: GeneDx Variant Classification Process June 2021. Collection method: clinical testing. Allele origin: germline. Affected: yes.
Comment: In silico analysis supports that this missense variant has a deleterious effect on protein structure/function; Has not been previously published as pathogenic or benign to our knowledge

Mayo Clinic Laboratories, Mayo Clinic
Classification: Uncertain significance. Last evaluated: 2018-07-02. Review status: criteria provided, single submitter. Criteria: ACMG Guidelines, 2015. Collection method: clinical testing. Allele origin: germline.